The following is an entry in ClinVar:

ClinVar aggregate classification (germline): Conflicting classifications of pathogenicity. Review status: criteria provided, conflicting classifications (1 of 4 stars). 7 submissions from 7 submitters: Likely pathogenic (3); Uncertain significance (4). Last evaluated 2024-04-24.

Conditions:
PLA2G6-associated neurodegeneration (PLAN). Also called: phospholipase A2-associated neurodegeneration. Identifiers: Orphanet 329303, MedGen CN204472, MONDO:0017998.
Infantile neuroaxonal dystrophy (NBIA2A). Also called: Infantile neuroaxonal dystrophy 1; NEURODEGENERATION WITH BRAIN IRON ACCUMULATION 2A; SEITELBERGER DISEASE. Identifiers: Orphanet 35069, MedGen C0270724, MONDO:0024457, OMIM 256600.
Neurodegeneration with brain iron accumulation 2B. Also called: NEUROAXONAL DYSTROPHY, ATYPICAL; NEURODEGENERATION WITH BRAIN IRON ACCUMULATION, PLA2G6-RELATED; aNAD; atypical Neuroaxonal Dystrophy (aNAD). Identifiers: Orphanet 35069, MedGen C1857747, MONDO:0012444, OMIM 610217.
Autosomal recessive Parkinson disease 14. Also called: PARKINSON DISEASE 14; DYSTONIA-PARKINSONISM, ADULT-ONSET. Identifiers: Orphanet 199351, MedGen C2751842, MONDO:0013060, OMIM 612953.
Abnormal brain morphology. Also called: Abnormality of brain morphology. Identifiers: MedGen C4021085, HP:0012443.

Allele frequency attached by ClinVar (database versions not stated): gnomAD exomes 0.00005 and 0.00011; gnomAD 0.00009 and 0.00010; TOPMed 0.00006; ESP Exome Variant Server 0.00008; ExAC 0.00006.

Submissions (7):

Fulgent Genetics
Classification: Likely pathogenic for Infantile neuroaxonal dystrophy; Neurodegeneration with brain iron accumulation 2B; Autosomal recessive Parkinson disease 14. Last evaluated: 2024-04-24. Review status: criteria provided, single submitter. Criteria: ACMG Guidelines, 2015. Collection method: clinical testing. Allele origin: germline.

Blueprint Genetics
Classification: Uncertain significance. Last evaluated: 2023-09-19. Review status: criteria provided, single submitter. Criteria: ACMG Guidelines, 2015. Collection method: clinical testing. Allele origin: germline.

Broad Center for Mendelian Genomics, Broad Institute of MIT and Harvard
Classification: Uncertain significance for PLA2G6-associated neurodegeneration. Last evaluated: 2023-01-24. Review status: criteria provided, single submitter. Criteria: ACMG Guidelines, 2015. Collection method: curation. Allele origin: germline. Inheritance: Autosomal recessive inheritance.
Comment: The p.Arg710His variant in PLA2G6 has been reported in 1 individual, in the homozygous state, with PLA2G6-associated neurodegeneration (PMID: 26539891) and has been identified in 0.008% (10/129094) of European (non-Finnish) chromosomes by the Genome Aggregation Database (gnomAD; dbSNP ID: rs147455037). Although this variant has been seen in the general population in a heterozygous state, its frequency is low enough to be consistent with a recessive carrier frequency. This variant has also been reported in ClinVar (Variation ID#: 402191) and has been interpreted as likely pathogenic by Lupski Lab (Baylor-Hopkins CMG, Baylor College of Medicine), GeneDx, and 3billion, and as a variant of uncertain significance by Invitae. Computational prediction tools and conservation analyses suggest that this variant may impact the protein, though this information is not predictive enough to determine pathogenicity. In summary, the clinical significance of the p.Arg710His variant is uncertain. ACMG/AMP Criteria applied: PM3_supporting, PP3, PM2_supporting (Richards 2015).

Labcorp Genetics (formerly Invitae), Labcorp
Classification: Uncertain significance for Infantile neuroaxonal dystrophy. Last evaluated: 2022-09-13. Review status: criteria provided, single submitter. Criteria: Invitae Variant Classification Sherloc (09022015). Collection method: clinical testing. Allele origin: germline.
Comment: This sequence change replaces arginine, which is basic and polar, with histidine, which is basic and polar, at codon 710 of the PLA2G6 protein (p.Arg710His). This variant is present in population databases (rs147455037, gnomAD 0.008%). This missense change has been observed in individual(s) with features of neuroaxonal dystrophy (PMID: 26539891, 31493945). This variant is also known as p.R656H. ClinVar contains an entry for this variant (Variation ID: 402191). Advanced modeling of protein sequence and biophysical properties (such as structural, functional, and spatial information, amino acid conservation, physicochemical variation, residue mobility, and thermodynamic stability) performed at Invitae indicates that this missense variant is expected to disrupt PLA2G6 protein function. In summary, the available evidence is currently insufficient to determine the role of this variant in disease. Therefore, it has been classified as a Variant of Uncertain Significance.

GeneDx
Classification: Uncertain significance. Last evaluated: 2022-06-03. Review status: criteria provided, single submitter. Criteria: GeneDx Variant Classification Process June 2021. Collection method: clinical testing. Allele origin: germline. Affected: yes.
Comment: Not observed at a significant frequency in large population cohorts (gnomAD); In silico analysis supports that this missense variant has a deleterious effect on protein structure/function; This variant is associated with the following publications: (PMID: 26539891, 31493945, 34426522)

3billion
Classification: Likely pathogenic for Infantile neuroaxonal dystrophy. Last evaluated: 2022-01-03. Review status: criteria provided, single submitter. Criteria: ACMG Guidelines, 2015. Collection method: clinical testing. Allele origin: germline. Affected: yes. Observed: 1 heterozygote.
Comment: The variant was co-segregated with Infantile neuroaxonal dystrophy 1 in multiple affected family members (PMID: 26539891, PP1_P). The variant has been reported to be in trans with a pathogenic variant as either compound heterozygous or homozygous in at least one similarly affected unrelated individual (PMID: 26539891, PM3_M). A different missense change at the same codon has been reported as pathogenic/likely pathogenic with strong evidence (ClinVar ID: VCV000159759, PMID:26539891, PM5_M). In silico tool predictions suggest damaging effect of the variant on gene or gene product (REVEL: 0.754, 3CNET: 0.756, PP3_P). A missense variant is a common mechanism associated with Infantile neuroaxonal dystrophy 1 (PP2_P). It is observed at an extremely low frequency in the gnomAD v2.1.1 dataset (total allele frequency: 0.000050, PM2_M). Therefore, this variant is classified as likely pathogenic according to the recommendation of ACMG/AMP guideline.

Lupski Lab, Baylor-Hopkins CMG, Baylor College of Medicine
Classification: Likely pathogenic for Abnormal brain morphology. Review status: criteria provided, single submitter. Criteria: Karaca et al. (Neuron 2015). Collection method: research. Allele origin: inherited. Inheritance: Autosomal recessive inheritance. Affected: yes.

Literature cited by the submitters: PubMed 26539891 (cited by Labcorp Genetics (formerly Invitae), Labcorp and 3billion); PubMed 31493945 (cited by Labcorp Genetics (formerly Invitae), Labcorp and 3billion).

NM_003560.4(PLA2G6):c.2129G>A (p.Arg710His)

Gene: PLA2G6 (phospholipase A2 group VI; minus strand). Cytogenetic location: 22q13.1.
Variant type: single nucleotide variant.
Coding change: c.2129G>A on transcript NM_003560.4 (MANE Select); coding-DNA position 2129, G replaced by A.
Protein change: p.Arg710His; replaces arginine 710 with histidine.
Molecular consequence: missense variant.
Genome position (GRCh38, 1-based): chr22:38,113,560, C>T on the plus strand (G>A on the coding strand, the complement: PLA2G6 is on the minus strand). VCF-style: chr22-38113560-C-T. GRCh37 (hg19) VCF-style: chr22-38509567-C-T.
Other names: NM_003560.4(PLA2G6):c.2129G>A; p.Arg710His; c.1967G>A, p.Arg656His (NM_001004426.3, NM_001199562.3, NM_001349865.2 and 1 more transcripts); c.2129G>A, p.Arg710His (NM_001349864.2); c.1595G>A, p.Arg532His (NM_001349867.2); c.1451G>A, p.Arg484His (NM_001349868.2); c.1433G>A, p.Arg478His (NM_001349869.2); short protein forms R656H, R710H, R532H, R484H, R478H.
Identifiers: ClinVar variation 402191 (VCV000402191.15), dbSNP rs147455037, ClinGen allele CA10230599.